The following is an entry in ClinVar:

NM_001164665.2(KIAA1549):c.2105T>A (p.Leu702Gln)

Gene: KIAA1549 (KIAA1549; minus strand). Cytogenetic location: 7q34.
Variant type: single nucleotide variant.
Coding change: c.2105T>A on transcript NM_001164665.2 (MANE Select); coding-DNA position 2105, T replaced by A.
Protein change: p.Leu702Gln; replaces leucine 702 with glutamine.
Molecular consequence: missense variant.
Genome position (GRCh38, 1-based): chr7:138,917,521, A>T on the plus strand (T>A on the coding strand, the complement: KIAA1549 is on the minus strand). VCF-style: chr7-138917521-A-T. GRCh37 (hg19) VCF-style: chr7-138602267-A-T.
Other names: c.2105T>A, p.Leu702Gln (NM_020910.3); short protein forms L702Q.
Identifiers: ClinVar variation 739019 (VCV000739019.14), dbSNP rs141831128, ClinGen allele CA4506571.
Genomic context (GRCh38, chr7:138,917,521, plus strand): 5'-AAGCTTGACCATGGTGACACCTCAGAACGGCTAGGTAGCAACATGATGGTGTTTAAAGGC[A>T]GCTCGGAACTTGGCTGGAGCTGCGAAAACTCAAGATTTGTGGAACTGGGAAGAGACAGCT-3'
Protein context (NP_001158137.1, residues 692-712): EFSQLQPSSE[Leu702Gln]PLNTIMLLPS

ClinVar aggregate classification (germline): Conflicting classifications of pathogenicity. Review status: criteria provided, conflicting classifications (1 of 4 stars). 4 submissions from 4 submitters: Uncertain significance (1); Benign (1); Likely benign (2). Last evaluated 2026-08-13.

Conditions:
KIAA1549-related disorder. Also called: KIAA1549-related condition.
Inborn genetic diseases. Identifiers: MedGen C0950123, MeSH D030342.

Allele frequency attached by ClinVar (database versions not stated): gnomAD exomes 0.00027; ExAC 0.00031; 1000 Genomes Project 0.00120; ESP Exome Variant Server 0.00130; 1000 Genomes Project 30x 0.00141; gnomAD 0.00146 and 0.00157; TOPMed 0.00157.
gnomAD v4.1: 412 of 1,613,868 alleles (0.026%); highest among the groups gnomAD compares: African/African-American, 0.46%; 2 homozygotes.

Submissions (4):

PreventionGenetics, part of Exact Sciences
Classification: Likely benign for KIAA1549-related condition. Last evaluated: 2026-08-13. Review status: criteria provided, single submitter. Criteria: ACMG Guidelines, 2015. Collection method: clinical testing. Allele origin: germline.
Comment: This variant is classified as likely benign based on ACMG/AMP sequence variant interpretation guidelines (Richards et al. 2015 PMID: 25741868, with internal and published modifications).

Labcorp Genetics (formerly Invitae), Labcorp
Classification: Benign. Last evaluated: 2026-01-26. Review status: criteria provided, single submitter. Criteria: Invitae Variant Classification Sherloc (09022015). Collection method: clinical testing. Allele origin: germline.

Blueprint Genetics
Classification: Likely benign. Last evaluated: 2024-10-22. Review status: criteria provided, single submitter. Criteria: ACMG Guidelines, 2015. Collection method: clinical testing. Allele origin: germline.

Ambry Genetics
Classification: Uncertain significance for Inborn genetic diseases. Last evaluated: 2023-04-11. Review status: criteria provided, single submitter. Criteria: Ambry Variant Classification Scheme 2023. Collection method: clinical testing. Allele origin: germline.